The following is an entry in ClinVar:

ClinVar aggregate classification (germline): Likely benign (0 of 4 stars; one submission).

Conditions:
SLCO1B3-related disorder. Also called: SLCO1B3-related condition.

Allele frequency attached by ClinVar (database versions not stated): TOPMed below 0.00001; gnomAD 0.00001.
gnomAD v4.1: 17 of 1,602,436 alleles (0.0011%); highest among the groups gnomAD compares: Middle Eastern, 0.018%; no homozygotes.

Submission:

PreventionGenetics, part of Exact Sciences
Classification: Likely benign for SLCO1B3-related condition. Last evaluated: 2023-08-07. Review status: no assertion criteria provided. Collection method: clinical testing. Allele origin: germline.
Comment: This variant is classified as likely benign based on ACMG/AMP sequence variant interpretation guidelines (Richards et al. 2015 PMID: 25741868, with internal and published modifications).

NM_019844.4(SLCO1B3):c.226+5C>T

Genes: SLCO1B3 (solute carrier organic anion transporter family member 1B3; plus strand), SLCO1B3-SLCO1B7 (SLCO1B3-SLCO1B7 readthrough; plus strand). Cytogenetic location: 12p12.2.
Variant type: single nucleotide variant.
Coding change: c.226+5C>T on transcript NM_019844.4 (MANE Select); 5 bases into the intron after coding-DNA position 226, C replaced by T.
Molecular consequence: intron variant.
Genome position (GRCh38, 1-based): chr12:20,855,174, C>T. VCF-style: chr12-20855174-C-T. GRCh37 (hg19) VCF-style: chr12-21008108-C-T.
Other names: c.142+5C>T (NM_001349920.2); c.226+5C>T (NM_001371097.1).
Identifiers: ClinVar variation 3047856 (VCV003047856.2), dbSNP rs1292966703, ClinGen allele CA686389603.
Genomic context (GRCh38, chr12:20,855,174, plus strand): 5'-GAGATTTGACATATCCTCTTCTCTTGCTGGTTTAATTGATGGAAGCTTTGAAATTGGTAA[C>T]TTTTATTTTTTCTATTTGATAACCATACTTGCATAAGTTGAAAAACAAACTGTTCATGCA-3'